The following is an entry in ClinVar:

ClinVar aggregate classification (germline): Uncertain significance (1 of 4 stars; one submission).

Conditions:
Inborn genetic diseases. Identifiers: MedGen C0950123, MeSH D030342.

Submission:

Ambry Genetics
Classification: Uncertain significance for Inborn genetic diseases. Last evaluated: 2024-12-08. Review status: criteria provided, single submitter. Criteria: Ambry Variant Classification Scheme 2023. Collection method: clinical testing. Allele origin: germline.
Comment: The p.V324I variant (also known as c.970G>A), located in coding exon 6 of the G6PC3 gene, results from a G to A substitution at nucleotide position 970. The valine at codon 324 is replaced by isoleucine, an amino acid with highly similar properties. This amino acid position is conserved. In addition, the in silico prediction for this alteration is inconclusive. Based on the available evidence, the clinical significance of this variant remains unclear.

NM_138387.4(G6PC3):c.970G>A (p.Val324Ile)

Gene: G6PC3 (glucose-6-phosphatase catalytic subunit 3; plus strand). Cytogenetic location: 17q21.31.
Variant type: single nucleotide variant.
Coding change: c.970G>A on transcript NM_138387.4 (MANE Select); coding-DNA position 970, G replaced by A.
Protein change: p.Val324Ile; replaces valine 324 with isoleucine.
Molecular consequence: missense variant. On other transcripts: 3 prime UTR variant (1).
Genome position (GRCh38, 1-based): chr17:44,075,972, G>A. VCF-style: chr17-44075972-G-A. GRCh37 (hg19) VCF-style: chr17-42153340-G-A.
Other names: c.*263G>A (NM_001319945.2); c.625G>A, p.Val209Ile (NM_001384165.1, NM_001384166.1, NM_001384167.1 and 1 more transcripts); short protein forms V324I, V209I.
Identifiers: ClinVar variation 3518078 (VCV003518078.1).